The following is an entry in ClinVar:

ClinVar aggregate classification (germline): Likely benign (0 of 4 stars; one submission).

Conditions:
PUF60-related disorder. Also called: PUF60-related condition.

Allele frequency attached by ClinVar (database versions not stated): ExAC 0.00047; TOPMed 0.00003; gnomAD exomes 0.00005; gnomAD 0.00001.
gnomAD v4.1: 17 of 456,170 alleles (0.0037%); highest among the groups gnomAD compares: Non-Finnish European, 0.0013%; no homozygotes.

Submission:

PreventionGenetics, part of Exact Sciences
Classification: Likely benign for PUF60-related condition. Last evaluated: 2021-09-21. Review status: no assertion criteria provided. Collection method: clinical testing. Allele origin: germline.
Comment: This variant is classified as likely benign based on ACMG/AMP sequence variant interpretation guidelines (Richards et al. 2015 PMID: 25741868, with internal and published modifications).

NM_078480.3(PUF60):c.24+1873C>A

Gene: PUF60 (poly(U) binding splicing factor 60; minus strand). Cytogenetic location: 8q24.3.
Variant type: single nucleotide variant.
Coding change: c.24+1873C>A on transcript NM_078480.3 (MANE Select); 1873 bases into the intron after coding-DNA position 24, C replaced by A.
Molecular consequence: genic upstream transcript variant. On other transcripts: missense variant (3).
Genome position (GRCh38, 1-based): chr8:143,827,407, G>T on the plus strand (C>A on the coding strand, the complement: PUF60 is on the minus strand). VCF-style: chr8-143827407-G-T. GRCh37 (hg19) VCF-style: chr8-144909577-G-T.
Other names: c.113C>A, p.Ala38Asp (NM_001362895.2, NM_001362896.2, NM_001362897.2); c.24+1873C>A (NM_001271097.2, NM_001271099.2, NM_001271096.2 and 2 more transcripts); c.-106+1577C>A (NM_001271100.2, NM_001136033.3); short protein forms A38D.
Identifiers: ClinVar variation 3031693 (VCV003031693.2), dbSNP rs781539311, ClinGen allele CA187595448.
Genomic context (GRCh38, chr8:143,827,407, plus strand): 5'-CATGCGTCAAAGTGAAAAGATGCATCCAGAAGACCTACCCTTGCTGCAAAGAGGCAGCCG[G>T]CCTCATTCTGCAGCCACCAGGCAGAAGGCATGCCCATGGGAGGGGAGGCCCTTCTGCATC-3'